The following is an entry in ClinVar:

NM_018979.4(WNK1):c.723T>C (p.Thr241=)

Gene: WNK1 (WNK lysine deficient protein kinase 1; plus strand). Cytogenetic location: 12p13.33.
Variant type: single nucleotide variant.
Coding change: c.723T>C on transcript NM_018979.4 (MANE Select); coding-DNA position 723, T replaced by C.
Protein change: p.Thr241=; no amino-acid change (threonine 241 retained).
Molecular consequence: synonymous variant.
Genome position (GRCh38, 1-based): chr12:754,288, T>C. VCF-style: chr12-754288-T-C. GRCh37 (hg19) VCF-style: chr12-863454-T-C.
Other names: c.723T>C, p.Thr241= (NM_001184985.2, NM_014823.3, NM_213655.5).
Identifiers: ClinVar variation 4914940 (VCV004914940.2).
Genomic context (GRCh38, chr12:754,288, plus strand): 5'-CAAGTTTGACATCGAAATCGGCAGAGGCTCCTTTAAGACGGTCTACAAAGGTCTGGACAC[T>C]GAAACCACCGTGGAAGTCGCCTGGTGTGAACTGCAGGTAAAGCCCCACCTACTTTATTTG-3'
Protein context (NP_061852.3, residues 231-251): SFKTVYKGLD[Thr241=]ETTVEVAWCE

ClinVar aggregate classification (germline): Likely benign. Review status: criteria provided, multiple submitters, no conflicts (2 of 4 stars). 2 submissions from 2 submitters: Likely benign (2). Last evaluated 2026-10-01.

gnomAD v4.1: 2 of 1,613,584 alleles (0.00012%); highest among the groups gnomAD compares: Non-Finnish European, 0.00017%; no homozygotes.

Submissions (2):

CeGaT Center for Human Genetics Tuebingen
Classification: Likely benign. Last evaluated: 2026-10-01. Review status: criteria provided, single submitter. Criteria: CeGaT Center For Human Genetics Tuebingen Variant Classification Criteria Version 2. Collection method: clinical testing. Allele origin: germline. Affected: yes. Observed: 1 variant allele.
Comment: WNK1: BP4, BP7

Blueprint Genetics
Classification: Likely benign. Last evaluated: 2022-02-14. Review status: criteria provided, single submitter. Criteria: ACMG Guidelines, 2015. Collection method: clinical testing. Allele origin: germline.